The following is an entry in ClinVar:

ClinVar aggregate classification (germline): Uncertain significance. Review status: criteria provided, multiple submitters, no conflicts (2 of 4 stars). 2 submissions from 2 submitters: Uncertain significance (2). Last evaluated 2025-09-09.

Conditions:
Inborn genetic diseases. Identifiers: MedGen C0950123, MeSH D030342.

Allele frequency attached by ClinVar (database versions not stated): ExAC 0.00001; gnomAD 0.00001; gnomAD exomes 0.00001; TOPMed 0.00002.
gnomAD v4.1: 22 of 1,611,212 alleles (0.0014%); highest among the groups gnomAD compares: African/African-American, 0.0027%; no homozygotes.

Submissions (2):

Ambry Genetics
Classification: Uncertain significance for Inborn genetic diseases. Last evaluated: 2025-09-09. Review status: criteria provided, single submitter. Criteria: Ambry Variant Classification Scheme 2023. Collection method: clinical testing. Allele origin: germline.

GeneDx
Classification: Uncertain significance. Last evaluated: 2022-05-03. Review status: criteria provided, single submitter. Criteria: GeneDx Variant Classification Process June 2021. Collection method: clinical testing. Allele origin: germline. Affected: yes.
Comment: In silico analysis supports that this missense variant has a deleterious effect on protein structure/function; Has not been previously published as pathogenic or benign to our knowledge

NM_001039141.3(TRIOBP):c.6169C>T (p.Arg2057Cys)

Gene: TRIOBP (TRIO and F-actin binding protein; plus strand). Cytogenetic location: 22q13.1.
Variant type: single nucleotide variant.
Coding change: c.6169C>T on transcript NM_001039141.3 (MANE Select); coding-DNA position 6169, C replaced by T.
Protein change: p.Arg2057Cys; replaces arginine 2057 with cysteine.
Molecular consequence: missense variant.
Genome position (GRCh38, 1-based): chr22:37,758,094, C>T. VCF-style: chr22-37758094-C-T. GRCh37 (hg19) VCF-style: chr22-38154101-C-T.
Other names: c.1030C>T, p.Arg344Cys (NM_007032.5, NM_138632.2); short protein forms R2057C, R344C.
Identifiers: ClinVar variation 1326062 (VCV001326062.4), dbSNP rs763920992, ClinGen allele CA10224889.